The following is an entry in ClinVar:

NM_001733.7(C1R):c.928C>T (p.Pro310Ser)

Gene: C1R (complement C1r; minus strand). Cytogenetic location: 12p13.31.
Variant type: single nucleotide variant.
Coding change: c.928C>T on transcript NM_001733.7 (MANE Select); coding-DNA position 928, C replaced by T.
Protein change: p.Pro310Ser; replaces proline 310 with serine.
Molecular consequence: missense variant.
Genome position (GRCh38, 1-based): chr12:7,088,720, G>A on the plus strand (C>T on the coding strand, the complement: C1R is on the minus strand). VCF-style: chr12-7088720-G-A. GRCh37 (hg19) VCF-style: chr12-7241316-G-A.
Other names: c.970C>T, p.Pro324Ser (NM_001354346.2); short protein forms P310S, P324S.
Identifiers: ClinVar variation 5037001 (VCV005037001.1).

ClinVar aggregate classification (germline): Uncertain significance (1 of 4 stars; one submission).

gnomAD v4.1: 1 of 777,788 alleles (0.00013%); highest among the groups gnomAD compares: Non-Finnish European, 0.00024%; no homozygotes.

Submission:

GeneDx
Classification: Uncertain significance. Last evaluated: 2026-04-20. Review status: criteria provided, single submitter. Criteria: GeneDx Variant Classification Process June 2021. Collection method: clinical testing. Allele origin: germline.
Comment: Not observed at significant frequency in large population cohorts (gnomAD); In silico analysis supports that this missense variant has a deleterious effect on protein structure/function; Has not been previously published as pathogenic or benign to our knowledge